The following is an entry in ClinVar:

ClinVar aggregate classification (germline): Pathogenic (1 of 4 stars; one submission).

Conditions:
Fanconi anemia (FA). Also called: Fanconi's anemia. Identifiers: Orphanet 84, MedGen C0015625, MeSH D005199, MONDO:0019391.

Submission:

Labcorp Genetics (formerly Invitae), Labcorp
Classification: Pathogenic for Fanconi anemia. Last evaluated: 2025-02-06. Review status: criteria provided, single submitter. Criteria: Invitae Variant Classification Sherloc (09022015). Collection method: clinical testing. Allele origin: germline.
Comment: This sequence change creates a premature translational stop signal (p.Ser1313Glufs*6) in the FANCM gene. It is expected to result in an absent or disrupted protein product. Loss-of-function variants in FANCM are known to be pathogenic (PMID: 29895858, 30075111). This variant is not present in population databases (gnomAD no frequency). This variant has not been reported in the literature in individuals affected with FANCM-related conditions. For these reasons, this variant has been classified as Pathogenic.

Literature cited by the submitters: PubMed 29895858; PubMed 30075111.

NM_020937.4(FANCM):c.3935dup (p.Ser1313fs)

Gene: FANCM (FA complementation group M; plus strand). Cytogenetic location: 14q21.2.
Variant type: Duplication.
Coding change: c.3935dup on transcript NM_020937.4 (MANE Select); coding-DNA position 3935, one base duplicated (T; older notation c.3935dupT).
Protein change: p.Ser1313fs; shifts the reading frame from serine 1313.
Molecular consequence: frameshift variant.
Genome position (GRCh38, 1-based): chr14:45,176,689, T duplicated. VCF-style (leftmost placement, unchanged base first): chr14-45176688-C-CT. GRCh37 (hg19) VCF-style: chr14-45645891-C-CT.
Other names: c.3857dup, p.Ser1287fs (NM_001308133.2); short protein forms S1287fs, S1313fs.
Identifiers: ClinVar variation 4712291 (VCV004712291.1).
Genomic context (GRCh38, chr14:45,176,688, plus strand): 5'-GGAACTGTTATTATCCCATCAAATGAAGATATGCAGAATCCAAATTATGTACATTTGCCA[C>CT]TGAGTGCAGCAAAAAATGAAGAATTGTTATCTCCTGGTTATTCTCAGTTTTCTTTACCAG-3'